The following is an entry in ClinVar:

ClinVar aggregate classification (germline): Uncertain significance (1 of 4 stars; one submission).

Conditions:
Leigh syndrome (NULS). Also called: Leigh's necrotizing encephalopathy; Leigh's disease; Leigh Syndrome (mtDNA deletion); Leigh Disease; Subacute necrotizing encephalopathy; Necrotizing encephalopathy infantile subacute of Leigh. Identifiers: Orphanet 506, MedGen C2931891, MONDO:0009723, OMIM 256000.

Submission:

Wong Mito Lab, Molecular and Human Genetics, Baylor College of Medicine
Classification: Uncertain significance for Leigh syndrome. Last evaluated: 2019-10-17. Review status: criteria provided, single submitter. Criteria: Modified ACMG Guidelines (Unpublished). Collection method: clinical testing. Allele origin: germline.
Comment: The NC_012920.1:m.8225A>G (YP_003024029.1:p.Ile214Val) variant in MTCO2 gene is interpretated to be a Uncertain Significance variant based on the modified ACMG guidelines (unpublished). This variant meets the following evidence codes: BS1

NC_012920.1(MT-CO2):m.8225A>G

Gene: MT-CO2 (mitochondrially encoded cytochrome c oxidase II; plus strand).
Variant type: single nucleotide variant.
Genome position: chrM-8225-A-G.
Identifiers: ClinVar variation 692826 (VCV000692826.1), dbSNP rs1603221335, ClinGen allele CA414795580.